The following is an entry in ClinVar:

NM_201631.4(TGM5):c.1080C>T (p.Asp360=)

Gene: TGM5 (transglutaminase 5; minus strand). Cytogenetic location: 15q15.2.
Variant type: single nucleotide variant.
Coding change: c.1080C>T on transcript NM_201631.4 (MANE Select); coding-DNA position 1080, C replaced by T.
Protein change: p.Asp360=; no amino-acid change (aspartic acid 360 retained).
Molecular consequence: synonymous variant.
Genome position (GRCh38, 1-based): chr15:43,239,188, G>A on the plus strand (C>T on the coding strand, the complement: TGM5 is on the minus strand). VCF-style: chr15-43239188-G-A. GRCh37 (hg19) VCF-style: chr15-43531386-G-A.
Other names: c.834C>T, p.Asp278= (NM_004245.4).
Identifiers: ClinVar variation 885433 (VCV000885433.6), dbSNP rs145306565, ClinGen allele CA7521093.
Genomic context (GRCh38, chr15:43,239,188, plus strand): 5'-GGAGCGGGGCCTGCCTTTCTTCTGGAGAGCCTCACCGTTGCTCATCTCCTGAGGTGTGGC[G>A]TCCAGCACCTGCCAGCCTCCATATGCAGGGGGCAGATCCTTCCGGGCCATCCAGCACTCA-3'
Protein context (NP_963925.2, residues 350-370): PPAYGGWQVL[Asp360=]ATPQEMSNGV

ClinVar aggregate classification (germline): Uncertain significance. Review status: criteria provided, single submitter (1 of 4 stars). 2 submissions from 2 submitters: Uncertain significance (1). 1 of the submissions does not count toward it. Last evaluated 2018-01-13.

Conditions:
TGM5-related disorder. Also called: TGM5-related condition.
Acral peeling skin syndrome. Also called: Peeling skin syndrome 2. Identifiers: Orphanet 263534, MedGen C1853354, MONDO:0012345, OMIM 609796.

Allele frequency attached by ClinVar (database versions not stated): ExAC 0.00028; 1000 Genomes Project 30x 0.00031; gnomAD exomes 0.00033 and 0.00076; ESP Exome Variant Server 0.00038; 1000 Genomes Project 0.00040; gnomAD 0.00046 and 0.00050; TOPMed 0.00050.
gnomAD v4.1: 1,219 of 1,614,132 alleles (0.076%); highest among the groups gnomAD compares: Non-Finnish European, 0.094%; 1 homozygote.

Submissions (2):

Illumina Laboratory Services, Illumina
Classification: Uncertain significance for Acral peeling skin syndrome. Last evaluated: 2018-01-13. Review status: criteria provided, single submitter. Criteria: ICSL Variant Classification Criteria 13 December 2019. Collection method: clinical testing. Allele origin: germline.

PreventionGenetics, part of Exact Sciences
Classification: Likely benign for TGM5-related condition. Last evaluated: 2023-11-22. Review status: no assertion criteria provided. Collection method: clinical testing. Allele origin: germline. Not counted in ClinVar's aggregate classification.
Comment: This variant is classified as likely benign based on ACMG/AMP sequence variant interpretation guidelines (Richards et al. 2015 PMID: 25741868, with internal and published modifications).